The following is an entry in ClinVar:

ClinVar aggregate classification (germline): Likely benign. Review status: criteria provided, multiple submitters, no conflicts (2 of 4 stars). 2 submissions from 2 submitters: Likely benign (2). Last evaluated 2018-06-19.

Allele frequency attached by ClinVar (database versions not stated): gnomAD exomes 0.00134; gnomAD 0.01234 and 0.01314; TOPMed 0.01413; 1000 Genomes Project 0.01538; 1000 Genomes Project 30x 0.01577.
gnomAD v4.1: 3,338 of 1,199,138 alleles (0.28%); highest among the groups gnomAD compares: African/African-American, 4.3%; 63 homozygotes.

Submissions (2):

GeneDx
Classification: Likely benign. Last evaluated: 2018-06-19. Review status: criteria provided, single submitter. Criteria: GeneDx Variant Classification (06012015). Collection method: clinical testing. Allele origin: germline. Affected: yes.
Comment: This variant is considered likely benign or benign based on one or more of the following criteria: it is a conservative change, it occurs at a poorly conserved position in the protein, it is predicted to be benign by multiple in silico algorithms, and/or has population frequency not consistent with disease.

Breakthrough Genomics
Classification: Likely benign. Review status: criteria provided, single submitter. Criteria: ACMG Guidelines, 2015. Collection method: not provided. Allele origin: germline. Inheritance: Autosomal recessive inheritance. Affected: yes.

NM_182961.4(SYNE1):c.8004+142G>A

Gene: SYNE1 (spectrin repeat containing nuclear envelope protein 1; minus strand). Cytogenetic location: 6q25.2.
Variant type: single nucleotide variant.
Coding change: c.8004+142G>A on transcript NM_182961.4 (MANE Select); 142 bases into the intron after coding-DNA position 8004, G replaced by A.
Molecular consequence: intron variant.
Genome position (GRCh38, 1-based): chr6:152,391,135, C>T on the plus strand (G>A on the coding strand, the complement: SYNE1 is on the minus strand). VCF-style: chr6-152391135-C-T. GRCh37 (hg19) VCF-style: chr6-152712270-C-T.
Other names: c.8025+142G>A (NM_033071.5).
Identifiers: ClinVar variation 676381 (VCV000676381.2), dbSNP rs76644545, ClinGen allele CA150190885.